The following is an entry in ClinVar:

NM_020458.4(TTC7A):c.1509C>T (p.Asp503=)

Gene: TTC7A (tetratricopeptide repeat domain 7A; plus strand). Cytogenetic location: 2p21.
Variant type: single nucleotide variant.
Coding change: c.1509C>T on transcript NM_020458.4 (MANE Select); coding-DNA position 1509, C replaced by T.
Protein change: p.Asp503=; no amino-acid change (aspartic acid 503 retained).
Molecular consequence: synonymous variant.
Genome position (GRCh38, 1-based): chr2:47,021,978, C>T. VCF-style: chr2-47021978-C-T. GRCh37 (hg19) VCF-style: chr2-47249117-C-T.
Other names: c.1509C>T, p.Asp503= (LRG_1323t1, NM_001288951.2); c.1407C>T, p.Asp469= (NM_001288953.2); c.447C>T, p.Asp149= (NM_001288955.2).
Identifiers: ClinVar variation 652370 (VCV000652370.5), dbSNP rs753851181, ClinGen allele CA1647685.

ClinVar aggregate classification (germline): Uncertain significance. Review status: criteria provided, multiple submitters, no conflicts (2 of 4 stars). 2 submissions from 2 submitters: Uncertain significance (2). Last evaluated 2022-10-13.

Conditions:
Multiple gastrointestinal atresias. Also called: Multiple intestinal atresia; FAMILIAL INTESTINAL POLYATRESIA SYNDROME. Identifiers: Orphanet 2300, MedGen C0220744, MONDO:0009465.

Allele frequency attached by ClinVar (database versions not stated): gnomAD 0.00004; TOPMed 0.00004.
gnomAD v4.1: 83 of 1,607,262 alleles (0.0052%); highest among the groups gnomAD compares: Admixed American, 0.062%; no homozygotes.

Submissions (2):

Labcorp Genetics (formerly Invitae), Labcorp
Classification: Uncertain significance for Multiple gastrointestinal atresias. Last evaluated: 2022-10-13. Review status: criteria provided, single submitter. Criteria: Invitae Variant Classification Sherloc (09022015). Collection method: clinical testing. Allele origin: germline.
Comment: This sequence change affects codon 503 of the TTC7A mRNA. It is a 'silent' change, meaning that it does not change the encoded amino acid sequence of the TTC7A protein. It affects a nucleotide within the consensus splice site. This variant is present in population databases (rs753851181, gnomAD 0.07%). This variant has not been reported in the literature in individuals affected with TTC7A-related conditions. ClinVar contains an entry for this variant (Variation ID: 652370). Algorithms developed to predict the effect of sequence changes on RNA splicing suggest that this variant is not likely to affect RNA splicing. In summary, the available evidence is currently insufficient to determine the role of this variant in disease. Therefore, it has been classified as a Variant of Uncertain Significance.

Breakthrough Genomics
Classification: Uncertain significance. Review status: criteria provided, single submitter. Criteria: ACMG Guidelines, 2015. Collection method: not provided. Allele origin: germline. Inheritance: Autosomal recessive inheritance. Affected: yes.